The following is an entry in ClinVar:

ClinVar aggregate classification (germline): Pathogenic (1 of 4 stars; one submission).

Conditions:
Alpha-N-acetylgalactosaminidase deficiency. Identifiers: Orphanet 3137, MedGen C5848084, MONDO:0017779.

Submission:

Myriad Genetics, Inc.
Classification: Pathogenic for Alpha-N-acetylgalactosaminidase deficiency. Last evaluated: 2025-08-26. Review status: criteria provided, single submitter. Criteria: Myriad Autosomal Dominant, Autosomal Recessive and X-Linked Classification Criteria (2023). Collection method: clinical testing. Allele origin: unknown.
Comment: NM_000262.2(NAGA):c.638delG(R213Lfs*17) is a frameshift variant classified as pathogenic in the context of NAGA-related disorders. R213Lfs*17 has not been observed in cases with relevant disease. Relevant functional assessments of this variant are not available in the literature. R213Lfs*17 has not been observed in referenced population frequency databases. In summary, NM_000262.2(NAGA):c.638delG(R213Lfs*17) is a frameshift variant in a gene where loss of function is a known mechanism of disease and is predicted to disrupt protein function. Please note: this variant was assessed in the context of healthy population screening.

NM_000262.3(NAGA):c.638del (p.Arg213fs)

Gene: NAGA (alpha-N-acetylgalactosaminidase; minus strand). Cytogenetic location: 22q13.2.
Variant type: Deletion.
Coding change: c.638del on transcript NM_000262.3 (MANE Select); coding-DNA position 638, one base deleted (G; older notation c.638delG).
Protein change: p.Arg213fs; shifts the reading frame from arginine 213.
Molecular consequence: frameshift variant.
Genome position (GRCh38, 1-based): chr22:42,065,859, C deleted on the plus strand (G on the coding strand, the reverse complement: NAGA is on the minus strand). VCF-style (leftmost placement, unchanged base first): chr22-42065858-AC-A. GRCh37 (hg19) VCF-style: chr22-42461862-AC-A.
Other names: c.638del, p.Arg213fs (NM_001362848.1, NM_001362850.1); short protein forms R213fs.
Identifiers: ClinVar variation 5003925 (VCV005003925.1).